The following is an entry in ClinVar:

NM_001113378.2(FANCI):c.1837C>T (p.Leu613Phe)

Gene: FANCI (FA complementation group I; plus strand). Cytogenetic location: 15q26.1.
Variant type: single nucleotide variant.
Coding change: c.1837C>T on transcript NM_001113378.2 (MANE Select); coding-DNA position 1837, C replaced by T.
Protein change: p.Leu613Phe; replaces leucine 613 with phenylalanine.
Molecular consequence: missense variant.
Genome position (GRCh38, 1-based): chr15:89,290,228, C>T. VCF-style: chr15-89290228-C-T. GRCh37 (hg19) VCF-style: chr15-89833459-C-T.
Other names: c.1558C>T, p.Leu520Phe (NM_001376910.1); c.1837C>T, p.Leu613Phe (NM_001376911.1, NM_018193.3); short protein forms L520F, L613F.
Identifiers: ClinVar variation 1502381 (VCV001502381.6), dbSNP rs2151689487, ClinGen allele CA393747561.

ClinVar aggregate classification (germline): Uncertain significance (1 of 4 stars; one submission).

Conditions:
Fanconi anemia (FA). Also called: Fanconi's anemia. Identifiers: Orphanet 84, MedGen C0015625, MeSH D005199, MONDO:0019391.

Submission:

Labcorp Genetics (formerly Invitae), Labcorp
Classification: Uncertain significance for Fanconi anemia. Last evaluated: 2021-11-08. Review status: criteria provided, single submitter. Criteria: Invitae Variant Classification Sherloc (09022015). Collection method: clinical testing. Allele origin: germline.
Comment: This sequence change replaces leucine, which is neutral and non-polar, with phenylalanine, which is neutral and non-polar, at codon 613 of the FANCI protein (p.Leu613Phe). This variant is not present in population databases (gnomAD no frequency). This variant has not been reported in the literature in individuals affected with FANCI-related conditions. Algorithms developed to predict the effect of missense changes on protein structure and function are either unavailable or do not agree on the potential impact of this missense change (SIFT: "Deleterious"; PolyPhen-2: "Benign"; Align-GVGD: "Class C0"). In summary, the available evidence is currently insufficient to determine the role of this variant in disease. Therefore, it has been classified as a Variant of Uncertain Significance.